The following is an entry in ClinVar:

ClinVar aggregate classification (germline): Uncertain significance (1 of 4 stars; one submission).

Submission:

Women's Health and Genetics/Laboratory Corporation of America, LabCorp
Classification: Uncertain significance. Last evaluated: 2025-01-24. Review status: criteria provided, single submitter. Criteria: LabCorp Variant Classification Summary - May 2015. Collection method: clinical testing. Allele origin: germline.
Comment: Variant summary: ARID2 c.4475A>G (p.Lys1492Arg) results in a conservative amino acid change in the encoded protein sequence. Five of five in-silico tools predict a benign effect of the variant on protein function. The variant was absent in 250984 control chromosomes (gnomAD). The available data on variant occurrences in the general population are insufficient to allow any conclusion about variant significance. To our knowledge, no occurrence of c.4475A>G in individuals affected with Coffin-Siris Syndrome 6 and no experimental evidence demonstrating its impact on protein function have been reported. No submitters have cited clinical-significance assessments for this variant to ClinVar. Based on the evidence outlined above, the variant was classified as uncertain significance.

NM_152641.4(ARID2):c.4475A>G (p.Lys1492Arg)

Gene: ARID2 (AT-rich interaction domain 2; plus strand). Cytogenetic location: 12q12.
Variant type: single nucleotide variant.
Coding change: c.4475A>G on transcript NM_152641.4 (MANE Select); coding-DNA position 4475, A replaced by G.
Protein change: p.Lys1492Arg; replaces lysine 1492 with arginine.
Molecular consequence: missense variant.
Genome position (GRCh38, 1-based): chr12:45,852,598, A>G. VCF-style: chr12-45852598-A-G. GRCh37 (hg19) VCF-style: chr12-46246381-A-G.
Other names: c.4475A>G, p.Lys1492Arg (NM_001347839.2); short protein forms K1492R.
Identifiers: ClinVar variation 3769434 (VCV003769434.2).